The following is an entry in ClinVar:

NM_145117.5(NAV2):c.333C>T (p.Leu111=)

Gene: NAV2 (neuron navigator 2; plus strand). Cytogenetic location: 11p15.1.
Variant type: single nucleotide variant.
Coding change: c.333C>T on transcript NM_145117.5 (MANE Select); coding-DNA position 333, C replaced by T.
Protein change: p.Leu111=; no amino-acid change (leucine 111 retained).
Molecular consequence: synonymous variant.
Genome position (GRCh38, 1-based): chr11:19,832,549, C>T. VCF-style: chr11-19832549-C-T. GRCh37 (hg19) VCF-style: chr11-19854095-C-T.
Other names: c.141C>T, p.Leu47= (NM_001111018.2); c.333C>T, p.Leu111= (NM_001244963.2, NM_182964.6).
Identifiers: ClinVar variation 2641677 (VCV002641677.25), dbSNP rs148087344, ClinGen allele CA5917514.

ClinVar aggregate classification (germline): Likely benign. Review status: criteria provided, single submitter (1 of 4 stars). 2 submissions from 2 submitters: Likely benign (1). 1 of the submissions does not count toward it. Last evaluated 2022-05-01.

Conditions:
NAV2-related disorder. Also called: NAV2-related condition.

Allele frequency attached by ClinVar (database versions not stated): 1000 Genomes Project 30x 0.00141; 1000 Genomes Project 0.00160; TOPMed 0.00394; ExAC 0.00497; gnomAD 0.00498; gnomAD exomes 0.00608; ESP Exome Variant Server 0.00616.
gnomAD v4.1: 9,523 of 1,614,174 alleles (0.59%); highest among the groups gnomAD compares: Non-Finnish European, 0.67%; 47 homozygotes.

Submissions (2):

CeGaT Center for Human Genetics Tuebingen
Classification: Likely benign. Last evaluated: 2022-05-01. Review status: criteria provided, single submitter. Criteria: CeGaT Center For Human Genetics Tuebingen Variant Classification Criteria Version 2. Collection method: clinical testing. Allele origin: germline. Affected: yes. Observed: 1 variant allele.
Comment: NAV2: BP4, BP7

PreventionGenetics, part of Exact Sciences
Classification: Benign for NAV2-related condition. Last evaluated: 2020-02-04. Review status: no assertion criteria provided. Collection method: clinical testing. Allele origin: germline. Not counted in ClinVar's aggregate classification.
Comment: This variant is classified as benign based on ACMG/AMP sequence variant interpretation guidelines (Richards et al. 2015 PMID: 25741868, with internal and published modifications).